The following is an entry in ClinVar:

ClinVar aggregate classification (germline): Conflicting classifications of pathogenicity. Review status: criteria provided, conflicting classifications (1 of 4 stars). 4 submissions from 4 submitters: Uncertain significance (2); Likely benign (1). 1 of the submissions does not count toward it. Last evaluated 2024-07-31.

Conditions:
Periventricular heterotopia with microcephaly, autosomal recessive (ARPHM). Also called: PERIVENTRICULAR NODULAR HETEROTOPIA 2; Periventricular heterotopia with microcephaly. Identifiers: Orphanet 2149, MedGen C1842563, MONDO:0011966, OMIM 608097.
ARFGEF2-related disorder. Also called: ARFGEF2-related condition.

Allele frequency attached by ClinVar (database versions not stated): TOPMed 0.00021.
gnomAD v4.1: 204 of 1,614,164 alleles (0.013%); highest among the groups gnomAD compares: Middle Eastern, 0.016%; no homozygotes.

Submissions (4):

Labcorp Genetics (formerly Invitae), Labcorp
Classification: Likely benign. Last evaluated: 2024-07-31. Review status: criteria provided, single submitter. Criteria: Invitae Variant Classification Sherloc (09022015). Collection method: clinical testing. Allele origin: germline.

Illumina Laboratory Services, Illumina
Classification: Uncertain significance for Periventricular heterotopia with microcephaly, autosomal recessive. Last evaluated: 2018-01-12. Review status: criteria provided, single submitter. Criteria: ICSL Variant Classification Criteria 13 December 2019. Collection method: clinical testing. Allele origin: germline.

Genetic Services Laboratory, University of Chicago
Classification: Uncertain significance. Last evaluated: 2015-07-23. Review status: criteria provided, single submitter. Criteria: ACMG Guidelines, 2015. Collection method: clinical testing. Allele origin: germline.

PreventionGenetics, part of Exact Sciences
Classification: Likely benign for ARFGEF2-related condition. Last evaluated: 2024-08-01. Review status: no assertion criteria provided. Collection method: clinical testing. Allele origin: germline. Not counted in ClinVar's aggregate classification.
Comment: This variant is classified as likely benign based on ACMG/AMP sequence variant interpretation guidelines (Richards et al. 2015 PMID: 25741868, with internal and published modifications).

NM_006420.3(ARFGEF2):c.3177G>T (p.Ser1059=)

Gene: ARFGEF2 (ARF guanine nucleotide exchange factor 2; plus strand). Cytogenetic location: 20q13.13.
Variant type: single nucleotide variant.
Coding change: c.3177G>T on transcript NM_006420.3 (MANE Select); coding-DNA position 3177, G replaced by T.
Protein change: p.Ser1059=; no amino-acid change (serine 1059 retained).
Molecular consequence: synonymous variant.
Genome position (GRCh38, 1-based): chr20:48,995,838, G>T. VCF-style: chr20-48995838-G-T. GRCh37 (hg19) VCF-style: chr20-47612375-G-T.
Identifiers: ClinVar variation 210234 (VCV000210234.17), dbSNP rs61748373, ClinGen allele CA207932.
Genomic context (GRCh38, chr20:48,995,838, plus strand): 5'-TTCAGGTAATTTGGTGAGTGGCGGAGTGGATAAAAGACAGATGGCCAGCTTCCAAGAATC[G>T]GTTGGTGAGACCAGCTCGCAGAGTGTGGTTGTAGCTGTGGACAGGTAATGATTTTATTCT-3'
Protein context (NP_006411.2, residues 1049-1069): DKRQMASFQE[Ser1059=]VGETSSQSVV